The following is an entry in ClinVar:

ClinVar aggregate classification (germline): Uncertain significance (1 of 4 stars; one submission).

Submission:

Labcorp Genetics (formerly Invitae), Labcorp
Classification: Uncertain significance. Last evaluated: 2025-07-22. Review status: criteria provided, single submitter. Criteria: Invitae Variant Classification Sherloc (09022015). Collection method: clinical testing. Allele origin: germline.
Comment: This sequence change replaces valine, which is neutral and non-polar, with leucine, which is neutral and non-polar, at codon 2487 of the VCAN protein (p.Val2487Leu). This variant is not present in population databases (gnomAD no frequency). This variant has not been reported in the literature in individuals affected with VCAN-related conditions. An algorithm developed to predict the effect of missense changes on protein structure and function (PolyPhen-2) suggests that this variant is likely to be tolerated. In summary, the available evidence is currently insufficient to determine the role of this variant in disease. Therefore, it has been classified as a Variant of Uncertain Significance.

NM_004385.5(VCAN):c.7459G>C (p.Val2487Leu)

Genes: VCAN (versican; plus strand), VCAN-AS1 (VCAN antisense RNA 1; minus strand). Cytogenetic location: 5q14.3.
Variant type: single nucleotide variant.
Coding change: c.7459G>C on transcript NM_004385.5 (MANE Select); coding-DNA position 7459, G replaced by C.
Protein change: p.Val2487Leu; replaces valine 2487 with leucine.
Molecular consequence: missense variant. On other transcripts: intron variant (2).
Genome position (GRCh38, 1-based): chr5:83,540,462, G>C. VCF-style: chr5-83540462-G-C. GRCh37 (hg19) VCF-style: chr5-82836281-G-C.
Other names: c.4498G>C, p.Val1500Leu (NM_001164097.2); c.4004-5075G>C (NM_001164098.2); c.1043-5075G>C (NM_001126336.3); short protein forms V2487L, V1500L.
Identifiers: ClinVar variation 4723371 (VCV004723371.1).